The following is an entry in ClinVar:

NM_000059.4(BRCA2):c.1455G>C (p.Lys485Asn)

Gene: BRCA2 (BRCA2 DNA repair associated; plus strand). Cytogenetic location: 13q13.1.
Variant type: single nucleotide variant.
Coding change: c.1455G>C on transcript NM_000059.4 (MANE Select); coding-DNA position 1455, G replaced by C.
Protein change: p.Lys485Asn; replaces lysine 485 with asparagine.
Molecular consequence: missense variant. On other transcripts: non-coding transcript variant (1), intron variant (1).
Genome position (GRCh38, 1-based): chr13:32,332,933, G>C. VCF-style: chr13-32332933-G-C. GRCh37 (hg19) VCF-style: chr13-32907070-G-C.
Other names: c.1455G>C, p.Lys485Asn (NM_001406719.1, NM_001406720.1, NM_001406721.1 and 1 more transcripts); c.424+1903G>C (NM_001406722.1); short protein forms K485N.
Identifiers: ClinVar variation 3636424 (VCV003636424.2).

ClinVar aggregate classification (germline): Uncertain significance (1 of 4 stars; one submission).

Conditions:
Hereditary breast ovarian cancer syndrome. Also called: Hereditary breast and ovarian cancer syndrome; Hereditary breast and ovarian cancer syndrome (HBOC); BRCA1- and BRCA2-Associated Hereditary Breast and Ovarian Cancer; Hereditary breast and ovarian cancer; Breast and ovarian cancer; Hereditary breast and/or ovarian cancer syndrome. Identifiers: Orphanet 145, MedGen C0677776, MeSH D061325, MONDO:0003582. Disease mechanism: loss of function.

Submission:

Labcorp Genetics (formerly Invitae), Labcorp
Classification: Uncertain significance for Hereditary breast ovarian cancer syndrome. Last evaluated: 2024-12-05. Review status: criteria provided, single submitter. Criteria: Invitae Variant Classification Sherloc (09022015). Collection method: clinical testing. Allele origin: germline.
Comment: This sequence change replaces lysine, which is basic and polar, with asparagine, which is neutral and polar, at codon 485 of the BRCA2 protein (p.Lys485Asn). This variant is not present in population databases (gnomAD no frequency). This variant has not been reported in the literature in individuals affected with BRCA2-related conditions. Invitae Evidence Modeling of protein sequence and biophysical properties (such as structural, functional, and spatial information, amino acid conservation, physicochemical variation, residue mobility, and thermodynamic stability) indicates that this missense variant is not expected to disrupt BRCA2 protein function with a negative predictive value of 95%. In summary, the available evidence is currently insufficient to determine the role of this variant in disease. Therefore, it has been classified as a Variant of Uncertain Significance.